The following is an entry in ClinVar:

NM_014956.5(CEP164):c.1705C>T (p.Pro569Ser)

Gene: CEP164 (centrosomal protein 164; plus strand). Cytogenetic location: 11q23.3.
Variant type: single nucleotide variant.
Coding change: c.1705C>T on transcript NM_014956.5 (MANE Select); coding-DNA position 1705, C replaced by T.
Protein change: p.Pro569Ser; replaces proline 569 with serine.
Molecular consequence: missense variant. On other transcripts: intron variant (27).
Genome position (GRCh38, 1-based): chr11:117,382,923, C>T. VCF-style: chr11-117382923-C-T. GRCh37 (hg19) VCF-style: chr11-117253639-C-T.
Other names: c.1714C>T, p.Pro572Ser (NM_001271933.2, NM_001440949.1); c.1705C>T, p.Pro569Ser (NM_001440950.1, NM_001440951.1, NM_001440953.1 and 1 more transcripts); c.1627C>T, p.Pro543Ser (NM_001440954.1, NM_001440955.1, NM_001440958.1 and 2 more transcripts); c.1576C>T, p.Pro526Ser (NM_001440960.1); c.1546C>T, p.Pro516Ser (NM_001440972.1); c.1586+1055C>T (NM_001440967.1, NM_001440961.1); c.1637+1055C>T (NM_001440956.1, NM_001440957.1); c.1577+1055C>T (NM_001440962.1, NM_001440970.1, NM_001440964.1 and 6 more transcripts); and 2 more; short protein forms P516S, P569S, P526S, P543S, P572S.
Identifiers: ClinVar variation 4994278 (VCV004994278.1).

ClinVar aggregate classification (germline): Uncertain significance (1 of 4 stars; one submission).

Conditions:
CEP164-related disorder. Also called: CEP164-related condition.

gnomAD v4.1: 2 of 1,610,444 alleles (0.00012%); highest among the groups gnomAD compares: African/African-American, 0.0027%; no homozygotes.

Submission:

PreventionGenetics, part of Exact Sciences
Classification: Uncertain significance for CEP164-related condition. Last evaluated: 2026-03-30. Review status: criteria provided, single submitter. Criteria: ACMG Guidelines, 2015. Collection method: clinical testing. Allele origin: germline.
Comment: The CEP164 c.1705C>T variant is predicted to result in the amino acid substitution p.Pro569Ser. To our knowledge, this variant has not been reported in the literature or in a large population database (gnomAD), indicating this variant is rare. At this time, the clinical significance of this variant is uncertain due to the absence of conclusive functional and genetic evidence.